The following is an entry in ClinVar:

NM_001375978.1(CHRM3):c.92C>G (p.Pro31Arg)

Gene: CHRM3 (cholinergic receptor muscarinic 3; plus strand). Cytogenetic location: 1q43.
Variant type: single nucleotide variant.
Coding change: c.92C>G on transcript NM_001375978.1 (MANE Select); coding-DNA position 92, C replaced by G.
Protein change: p.Pro31Arg; replaces proline 31 with arginine.
Molecular consequence: missense variant.
Genome position (GRCh38, 1-based): chr1:239,907,543, C>G. VCF-style: chr1-239907543-C-G. GRCh37 (hg19) VCF-style: chr1-240070843-C-G.
Other names: c.92C>G, p.Pro31Arg (NM_000740.4, NM_001347716.2, NM_001375979.1 and 6 more transcripts); short protein forms P31R.
Identifiers: ClinVar variation 1985732 (VCV001985732.4), dbSNP rs367791242, ClinGen allele CA1475719.

ClinVar aggregate classification (germline): Uncertain significance (1 of 4 stars; one submission).

gnomAD v4.1: 7 of 1,614,170 alleles (0.00043%); highest among the groups gnomAD compares: South Asian, 0.0011%; no homozygotes.

Submission:

Labcorp Genetics (formerly Invitae), Labcorp
Classification: Uncertain significance. Last evaluated: 2022-10-17. Review status: criteria provided, single submitter. Criteria: Invitae Variant Classification Sherloc (09022015). Collection method: clinical testing. Allele origin: germline.
Comment: This variant has not been reported in the literature in individuals affected with CHRM3-related conditions. This variant is present in population databases (rs367791242, gnomAD 0.003%). This sequence change replaces proline, which is neutral and non-polar, with arginine, which is basic and polar, at codon 31 of the CHRM3 protein (p.Pro31Arg). Algorithms developed to predict the effect of missense changes on protein structure and function (SIFT, PolyPhen-2, Align-GVGD) all suggest that this variant is likely to be tolerated. In summary, the available evidence is currently insufficient to determine the role of this variant in disease. Therefore, it has been classified as a Variant of Uncertain Significance.